The following is an entry in ClinVar:

NM_145331.3(MAP3K7):c.1287A>G (p.Ile429Met)

Gene: MAP3K7 (mitogen-activated protein kinase kinase kinase 7; minus strand). Cytogenetic location: 6q15.
Variant type: single nucleotide variant.
Coding change: c.1287A>G on transcript NM_145331.3 (MANE Select); coding-DNA position 1287, A replaced by G.
Protein change: p.Ile429Met; replaces isoleucine 429 with methionine.
Molecular consequence: missense variant. On other transcripts: intron variant (2).
Genome position (GRCh38, 1-based): chr6:90,544,556, T>C on the plus strand (A>G on the coding strand, the complement: MAP3K7 is on the minus strand). VCF-style: chr6-90544556-T-C. GRCh37 (hg19) VCF-style: chr6-91254275-T-C.
Other names: c.1287A>G, p.Ile429Met (NM_145332.3); c.1210+2702A>G (NM_145333.3, NM_003188.4); short protein forms I429M.
Identifiers: ClinVar variation 2086592 (VCV002086592.4), dbSNP rs2481790900, ClinGen allele CA365008305.

ClinVar aggregate classification (germline): Uncertain significance (1 of 4 stars; one submission).

Submission:

Labcorp Genetics (formerly Invitae), Labcorp
Classification: Uncertain significance. Last evaluated: 2022-09-01. Review status: criteria provided, single submitter. Criteria: Invitae Variant Classification Sherloc (09022015). Collection method: clinical testing. Allele origin: germline.
Comment: In summary, the available evidence is currently insufficient to determine the role of this variant in disease. Therefore, it has been classified as a Variant of Uncertain Significance. Algorithms developed to predict the effect of missense changes on protein structure and function are either unavailable or do not agree on the potential impact of this missense change (SIFT: "Deleterious"; PolyPhen-2: "Benign"; Align-GVGD: "Class C0"). This variant has not been reported in the literature in individuals affected with MAP3K7-related conditions. This variant is not present in population databases (gnomAD no frequency). This sequence change replaces isoleucine, which is neutral and non-polar, with methionine, which is neutral and non-polar, at codon 429 of the MAP3K7 protein (p.Ile429Met).